The following is an entry in ClinVar:

NM_000702.4(ATP1A2):c.1562A>G (p.Gln521Arg)

Gene: ATP1A2 (ATPase Na+/K+ transporting subunit alpha 2; plus strand). Cytogenetic location: 1q23.2.
Variant type: single nucleotide variant.
Coding change: c.1562A>G on transcript NM_000702.4 (MANE Select); coding-DNA position 1562, A replaced by G.
Protein change: p.Gln521Arg; replaces glutamine 521 with arginine.
Molecular consequence: missense variant.
Genome position (GRCh38, 1-based): chr1:160,130,202, A>G. VCF-style: chr1-160130202-A-G. GRCh37 (hg19) VCF-style: chr1-160099992-A-G.
Other names: short protein forms Q521R.
Identifiers: ClinVar variation 2997519 (VCV002997519.3), dbSNP rs759736796, ClinGen allele CA1194522.

ClinVar aggregate classification (germline): Uncertain significance (1 of 4 stars; one submission).

Conditions:
Familial hemiplegic migraine. Identifiers: MedGen C0338484, MONDO:0000700.

Allele frequency attached by ClinVar (database versions not stated): gnomAD exomes 0.00001; ExAC 0.00002.
gnomAD v4.1: 5 of 1,614,214 alleles (0.00031%); highest among the groups gnomAD compares: Non-Finnish European, 0.00042%; no homozygotes.

Submission:

Labcorp Genetics (formerly Invitae), Labcorp
Classification: Uncertain significance for Familial hemiplegic migraine. Last evaluated: 2025-08-08. Review status: criteria provided, single submitter. Criteria: Invitae Variant Classification Sherloc (09022015). Collection method: clinical testing. Allele origin: germline.
Comment: This sequence change replaces glutamine, which is neutral and polar, with arginine, which is basic and polar, at codon 521 of the ATP1A2 protein (p.Gln521Arg). This variant is present in population databases (rs759736796, gnomAD 0.002%). This variant has not been reported in the literature in individuals affected with ATP1A2-related conditions. ClinVar contains an entry for this variant (Variation ID: 2997519). Invitae Evidence Modeling of protein sequence and biophysical properties (such as structural, functional, and spatial information, amino acid conservation, physicochemical variation, residue mobility, and thermodynamic stability) indicates that this missense variant is not expected to disrupt ATP1A2 protein function with a negative predictive value of 80%. In summary, the available evidence is currently insufficient to determine the role of this variant in disease. Therefore, it has been classified as a Variant of Uncertain Significance.